The following is an entry in ClinVar:

NM_152564.5(VPS13B):c.4420T>G (p.Phe1474Val)

Gene: VPS13B (vacuolar protein sorting 13 homolog B; plus strand). Cytogenetic location: 8q22.2.
Variant type: single nucleotide variant.
Coding change: c.4420T>G on transcript NM_152564.5 (MANE Select); coding-DNA position 4420, T replaced by G.
Protein change: p.Phe1474Val; replaces phenylalanine 1474 with valine.
Molecular consequence: missense variant.
Genome position (GRCh38, 1-based): chr8:99,511,299, T>G. VCF-style: chr8-99511299-T-G. GRCh37 (hg19) VCF-style: chr8-100523527-T-G.
Other names: c.4495T>G, p.Phe1499Val (NM_017890.5); short protein forms F1474V, F1499V.
Identifiers: ClinVar variation 959640 (VCV000959640.10), dbSNP rs1821776603, ClinGen allele CA371871590.

ClinVar aggregate classification (germline): Uncertain significance. Review status: criteria provided, single submitter (1 of 4 stars). 2 submissions from 2 submitters: Uncertain significance (1). 1 of the submissions does not count toward it. Last evaluated 2022-07-11.

Conditions:
Cohen syndrome (COH1). Also called: Cutis verticis gyrata, retinitis pigmentosa, and sensorineural deafness; PEPPER SYNDROME. Identifiers: Orphanet 193, MedGen C0265223, MONDO:0008999, OMIM 216550.

Submissions (2):

Labcorp Genetics (formerly Invitae), Labcorp
Classification: Uncertain significance for Cohen syndrome. Last evaluated: 2022-07-11. Review status: criteria provided, single submitter. Criteria: Invitae Variant Classification Sherloc (09022015). Collection method: clinical testing. Allele origin: germline.
Comment: This variant has not been reported in the literature in individuals affected with VPS13B-related conditions. This variant is not present in population databases (gnomAD no frequency). This sequence change replaces phenylalanine, which is neutral and non-polar, with valine, which is neutral and non-polar, at codon 1499 of the VPS13B protein (p.Phe1499Val). ClinVar contains an entry for this variant (Variation ID: 959640). In summary, the available evidence is currently insufficient to determine the role of this variant in disease. Therefore, it has been classified as a Variant of Uncertain Significance. Algorithms developed to predict the effect of missense changes on protein structure and function are either unavailable or do not agree on the potential impact of this missense change (SIFT: "Not Available"; PolyPhen-2: "Probably Damaging"; Align-GVGD: "Not Available").

Natera, Inc.
Classification: Uncertain significance for Cohen syndrome. Last evaluated: 2025-02-20. Review status: no assertion criteria provided. Collection method: clinical testing. Allele origin: germline. Not counted in ClinVar's aggregate classification.